The following is an entry in ClinVar:

NM_001267550.2(TTN):c.107033dup (p.Ser35679fs)

Genes: TTN (titin; minus strand), TTN-AS1 (TTN antisense RNA 1; plus strand). Cytogenetic location: 2q31.2.
Variant type: Duplication.
Coding change: c.107033dup on transcript NM_001267550.2 (MANE Select); coding-DNA position 107033, one base duplicated (T; older notation c.107033dupT).
Protein change: p.Ser35679fs; shifts the reading frame from serine 35679.
Molecular consequence: frameshift variant.
Genome position (GRCh38, 1-based): chr2:178,528,718, A duplicated on the plus strand (T on the coding strand, the reverse complement: TTN is on the minus strand). VCF-style (leftmost placement, unchanged base first): chr2-178528717-T-TA. GRCh37 (hg19) VCF-style: chr2-179393444-T-TA.
Other names: c.107033dupT (NM_001267550.2); c.102110dup, p.Ser34038fs (NM_001256850.1); c.79838dup, p.Ser26614fs (NM_003319.4); c.99329dup, p.Ser33111fs (NM_133378.4); c.80213dup, p.Ser26739fs (NM_133432.3); c.80414dup, p.Ser26806fs (NM_133437.4); short protein forms S26614fs, S26739fs, S26806fs, S33111fs, S34038fs, S35679fs.
Identifiers: ClinVar variation 1342136 (VCV001342136.5), dbSNP rs2154131263, ClinGen allele CA2573051725.
Genomic context (GRCh38, chr2:178,528,717, plus strand): 5'-GAGTTCTTTGCTCAGTGTCAAATCATACTGACACTTGACGATTCCTTCCTTGGTTTTGCT[T>TA]ATGCAGGTGAGGATTCCTTCATCTCTGTGACTGGCTTGCTTGATGGTTAGGGTCTGATCG-3'

ClinVar aggregate classification (germline): Likely pathogenic. Review status: criteria provided, multiple submitters, no conflicts (2 of 4 stars). 2 submissions from 2 submitters: Likely pathogenic (2). Last evaluated 2023-11-01.

Conditions:
Dilated cardiomyopathy 1G (CMD1G). Identifiers: Orphanet 154, MedGen C1858763, MONDO:0011400, OMIM 604145.
Autosomal recessive limb-girdle muscular dystrophy type 2J (LGMDR10). Also called: Limb-girdle muscular dystrophy, type 2J; MUSCULAR DYSTROPHY, LIMB-GIRDLE, AUTOSOMAL RECESSIVE 10. Identifiers: Orphanet 140922, MedGen C1837342, MONDO:0012127, OMIM 608807.
Tip-toe gait. Also called: Toe walking. Identifiers: MedGen C0427144, HP:0030051.

Submissions (2):

Labcorp Genetics (formerly Invitae), Labcorp
Classification: Likely pathogenic for Dilated cardiomyopathy 1G; Autosomal recessive limb-girdle muscular dystrophy type 2J. Last evaluated: 2023-11-01. Review status: criteria provided, single submitter. Criteria: Invitae Variant Classification Sherloc (09022015). Collection method: clinical testing. Allele origin: germline.
Comment: This sequence change creates a premature translational stop signal (p.Ser35679Lysfs*13) in the TTN gene. While this is not anticipated to result in nonsense mediated decay, it is expected to create a truncated TTN protein. This variant is not present in population databases (gnomAD no frequency). This variant has not been reported in the literature in individuals affected with TTN-related conditions. ClinVar contains an entry for this variant (Variation ID: 1342136). This variant is located in the M band of TTN (PMID: 25589632). Truncating variants in this region have been previously reported in individuals affected with autosomal recessive myopathy and muscular dystrophy (PMID: 18948003, 23975875, 24395473), but have not been definitively shown to cause cardiomyopathy (PMID: 25589632). In summary, the currently available evidence indicates that the variant is pathogenic, but additional data are needed to prove that conclusively. Therefore, this variant has been classified as Likely Pathogenic.

Practice for Gait Abnormalities, David Pomarino, Competency Network Toe Walking C/o Practice Pomarino
Classification: Likely pathogenic for Tip-toe gait. Last evaluated: 2022-01-11. Review status: criteria provided, single submitter. Criteria: ACMG Guidelines, 2015. Collection method: clinical testing. Allele origin: germline. Affected: yes.

Literature cited by the submitters: PubMed 25589632 (cited by Labcorp Genetics (formerly Invitae), Labcorp); PubMed 18948003 (cited by Labcorp Genetics (formerly Invitae), Labcorp); PubMed 23975875 (cited by Labcorp Genetics (formerly Invitae), Labcorp); PubMed 24395473 (cited by Labcorp Genetics (formerly Invitae), Labcorp).